The following is an entry in ClinVar:

ClinVar aggregate classification (germline): Uncertain significance (1 of 4 stars; one submission).

Allele frequency attached by ClinVar (database versions not stated): gnomAD 0.00001; TOPMed 0.00001; gnomAD exomes 0.00002; ExAC 0.00006; ESP Exome Variant Server 0.00008.
gnomAD v4.1: 38 of 1,614,000 alleles (0.0024%); highest among the groups gnomAD compares: South Asian, 0.036%; no homozygotes.

Submission:

Labcorp Genetics (formerly Invitae), Labcorp
Classification: Uncertain significance. Last evaluated: 2023-02-28. Review status: criteria provided, single submitter. Criteria: Invitae Variant Classification Sherloc (09022015). Collection method: clinical testing. Allele origin: germline.
Comment: In summary, the available evidence is currently insufficient to determine the role of this variant in disease. Therefore, it has been classified as a Variant of Uncertain Significance. An algorithm developed to predict the effect of missense changes on protein structure and function (PolyPhen-2) suggests that this variant is likely to be tolerated. This variant has not been reported in the literature in individuals affected with LRP6-related conditions. This variant is present in population databases (rs142229173, gnomAD 0.03%). This sequence change replaces valine, which is neutral and non-polar, with alanine, which is neutral and non-polar, at codon 452 of the LRP6 protein (p.Val452Ala).

NM_002336.3(LRP6):c.1355T>C (p.Val452Ala)

Gene: LRP6 (LDL receptor related protein 6; minus strand). Cytogenetic location: 12p13.2.
Variant type: single nucleotide variant.
Coding change: c.1355T>C on transcript NM_002336.3 (MANE Select); coding-DNA position 1355, T replaced by C.
Protein change: p.Val452Ala; replaces valine 452 with alanine.
Molecular consequence: missense variant. On other transcripts: non-coding transcript variant (1).
Genome position (GRCh38, 1-based): chr12:12,181,061, A>G on the plus strand (T>C on the coding strand, the complement: LRP6 is on the minus strand). VCF-style: chr12-12181061-A-G. GRCh37 (hg19) VCF-style: chr12-12333995-A-G.
Other names: c.1355T>C, p.Val452Ala (NM_001414245.1, NM_001414246.1, NM_001414248.1 and 5 more transcripts); c.1157T>C, p.Val386Ala (NM_001414247.1); c.902T>C, p.Val301Ala (NM_001414252.1, NM_001414253.1, NM_001414254.1); short protein forms V452A, V301A, V386A.
Identifiers: ClinVar variation 2983742 (VCV002983742.3), dbSNP rs142229173, ClinGen allele CA6455693.